The following is an entry in ClinVar:

NM_006204.4(PDE6C):c.2159C>T (p.Thr720Met)

Gene: PDE6C (phosphodiesterase 6C; plus strand). Cytogenetic location: 10q23.33.
Variant type: single nucleotide variant.
Coding change: c.2159C>T on transcript NM_006204.4 (MANE Select); coding-DNA position 2159, C replaced by T.
Protein change: p.Thr720Met; replaces threonine 720 with methionine.
Molecular consequence: missense variant.
Genome position (GRCh38, 1-based): chr10:93,659,118, C>T. VCF-style: chr10-93659118-C-T. GRCh37 (hg19) VCF-style: chr10-95418875-C-T.
Other names: short protein forms T720M.
Identifiers: ClinVar variation 939368 (VCV000939368.9), dbSNP rs776912070, ClinGen allele CA5610427.

ClinVar aggregate classification (germline): Conflicting classifications of pathogenicity. Review status: criteria provided, conflicting classifications (1 of 4 stars). 3 submissions from 3 submitters: Pathogenic (1); Likely pathogenic (1); Uncertain significance (1). Last evaluated 2026-09-01.

Conditions:
PDE6C-related disorder. Also called: PDE6C-related condition.

Allele frequency attached by ClinVar (database versions not stated): ExAC 0.00001; gnomAD exomes 0.00002; TOPMed 0.00003; gnomAD 0.00005 and 0.00006.
gnomAD v4.1: 33 of 1,610,554 alleles (0.002%); highest among the groups gnomAD compares: African/African-American, 0.008%; no homozygotes.

Submissions (3):

PreventionGenetics, part of Exact Sciences
Classification: Uncertain significance for PDE6C-related condition. Last evaluated: 2026-09-01. Review status: criteria provided, single submitter. Criteria: ACMG Guidelines, 2015. Collection method: clinical testing. Allele origin: germline.
Comment: The PDE6C c.2159C>T variant is predicted to result in the amino acid substitution p.Thr720Met. This variant was reported in the homozygous state in at least one individual with achromatopsia (supplementary data, Suga et al. 2022. PubMed ID: 36284460; Inooka et al. 2024. PubMed ID: 39287548). This variant was also described in a large cohort of individuals with achromatopsia (supplementary data, Sun et al. 2020. PubMed ID: 32913385). This variant is reported in 0.0062% of alleles in individuals of African descent in gnomAD. Although we suspect that this variant may be pathogenic, at this time, the clinical significance of this variant is uncertain due to the absence of conclusive functional and genetic evidence.

Labcorp Genetics (formerly Invitae), Labcorp
Classification: Pathogenic. Last evaluated: 2025-02-03. Review status: criteria provided, single submitter. Criteria: Invitae Variant Classification Sherloc (09022015). Collection method: clinical testing. Allele origin: germline.
Comment: This sequence change replaces threonine, which is neutral and polar, with methionine, which is neutral and non-polar, at codon 720 of the PDE6C protein (p.Thr720Met). This variant is present in population databases (rs776912070, gnomAD 0.007%). This missense change has been observed in individuals with PDE6C-related conditions (PMID: 32913385; internal data). ClinVar contains an entry for this variant (Variation ID: 939368). Invitae Evidence Modeling of protein sequence and biophysical properties (such as structural, functional, and spatial information, amino acid conservation, physicochemical variation, residue mobility, and thermodynamic stability) indicates that this missense variant is expected to disrupt PDE6C protein function with a positive predictive value of 95%. For these reasons, this variant has been classified as Pathogenic.

Blueprint Genetics
Classification: Likely pathogenic for PDE6C-related disorders. Last evaluated: 2022-02-08. Review status: criteria provided, single submitter. Criteria: ACMG Guidelines, 2015. Collection method: clinical testing. Allele origin: germline. Affected: yes. Observed: 4 variant alleles.

Literature cited by the submitters: PubMed 32913385 (cited by Labcorp Genetics (formerly Invitae), Labcorp).